The following is an entry in ClinVar:

ClinVar aggregate classification (germline): Conflicting classifications of pathogenicity. Review status: criteria provided, conflicting classifications (1 of 4 stars). 7 submissions from 7 submitters: Uncertain significance (2); Benign (1); Likely benign (2). 2 of the submissions do not count toward it. Last evaluated 2026-01-01.

Allele frequency attached by ClinVar (database versions not stated): 1000 Genomes Project 30x 0.00078; gnomAD 0.00149; gnomAD exomes 0.00160 and 0.00264; TOPMed 0.00162; ExAC 0.00217; ESP Exome Variant Server 0.00263; 1000 Genomes Project 0.00060.
gnomAD v4.1: 4,092 of 1,609,868 alleles (0.25%); highest among the groups gnomAD compares: Non-Finnish European, 0.32%; 10 homozygotes.

Submissions (7):

Labcorp Genetics (formerly Invitae), Labcorp
Classification: Benign. Last evaluated: 2026-01-01. Review status: criteria provided, single submitter. Criteria: Invitae Variant Classification Sherloc (09022015). Collection method: clinical testing. Allele origin: germline.

GeneDx
Classification: Uncertain significance. Last evaluated: 2025-08-20. Review status: criteria provided, single submitter. Criteria: GeneDx Variant Classification Process June 2021. Collection method: clinical testing. Allele origin: germline. Affected: yes.
Comment: Identified in a patient belonging to a cohort of patients with insulin resistance atherosclerosis in published literature (PMID: 29618726); In silico analysis suggests this variant may impact gene splicing. In the absence of RNA/functional studies, the actual effect of this sequence change is unknown.; This variant is associated with the following publications: (PMID: 29618726)

Blueprint Genetics
Classification: Likely benign. Last evaluated: 2024-11-26. Review status: criteria provided, single submitter. Criteria: ACMG Guidelines, 2015. Collection method: clinical testing. Allele origin: germline.

CeGaT Center for Human Genetics Tuebingen
Classification: Likely benign. Last evaluated: 2022-08-01. Review status: criteria provided, single submitter. Criteria: CeGaT Center For Human Genetics Tuebingen Variant Classification Criteria Version 2. Collection method: clinical testing. Allele origin: germline. Affected: yes. Observed: 2 variant alleles.
Comment: DOCK6: BP7

Center for Pediatric Genomic Medicine, Children's Mercy Hospital and Clinics
Classification: Uncertain significance. Last evaluated: 2017-03-20. Review status: criteria provided, single submitter. Criteria: ACMG Guidelines, 2015. Collection method: clinical testing. Allele origin: germline.

Clinical Genetics DNA and cytogenetics Diagnostics Lab, Erasmus MC, Erasmus Medical Center
Classification: Likely benign. Review status: no assertion criteria provided. Collection method: clinical testing. Allele origin: germline. Affected: yes. Study: VKGL Data-share Consensus. Not counted in ClinVar's aggregate classification.

Laboratory of Diagnostic Genome Analysis, Leiden University Medical Center (LUMC)
Classification: Likely benign. Review status: no assertion criteria provided. Collection method: clinical testing. Allele origin: germline. Affected: yes. Study: VKGL Data-share Consensus. Not counted in ClinVar's aggregate classification.

NM_020812.4(DOCK6):c.5939+6C>T

Gene: DOCK6 (dedicator of cytokinesis 6; minus strand). Cytogenetic location: 19p13.2.
Variant type: single nucleotide variant.
Coding change: c.5939+6C>T on transcript NM_020812.4 (MANE Select); 6 bases into the intron after coding-DNA position 5939, C replaced by T.
Molecular consequence: intron variant.
Genome position (GRCh38, 1-based): chr19:11,200,710, G>A on the plus strand (C>T on the coding strand, the complement: DOCK6 is on the minus strand). VCF-style: chr19-11200710-G-A. GRCh37 (hg19) VCF-style: chr19-11311386-G-A.
Other names: c.6044+6C>T (NM_001367830.1).
Identifiers: ClinVar variation 445617 (VCV000445617.42), dbSNP rs200393834, ClinGen allele CA9206292.